The following is an entry in ClinVar:

NM_206926.2(SELENON):c.1472T>G (p.Met491Arg)

Gene: SELENON (selenoprotein N; plus strand). Cytogenetic location: 1p36.11.
Variant type: single nucleotide variant.
Coding change: c.1472T>G on transcript NM_206926.2 (MANE Select); coding-DNA position 1472, T replaced by G.
Protein change: p.Met491Arg; replaces methionine 491 with arginine.
Molecular consequence: missense variant.
Genome position (GRCh38, 1-based): chr1:25,814,150, T>G. VCF-style: chr1-25814150-T-G. GRCh37 (hg19) VCF-style: chr1-26140641-T-G.
Other names: NM_020451.3(SELENON):c.1574T>G; p.Met525Arg; c.1574T>G, p.Met525Arg (NM_020451.3); short protein forms M491R, M525R.
Identifiers: ClinVar variation 1025827 (VCV001025827.14), dbSNP rs761631813, ClinGen allele CA696923.
Genomic context (GRCh38, chr1:25,814,150, plus strand): 5'-ACTCGTCCCACCAGAAGCTGGCTGGCCTGCACCTGGAGAAGTACAGCTTCCCCGTGGAGA[T>G]GATGATCTGCCTGCCCAATGGCACCGTGGTAGGCACCCCCACTCAGACCCCACAGGGCCC-3'
Protein context (NP_996809.1, residues 481-501): HLEKYSFPVE[Met491Arg]MICLPNGTVV

ClinVar aggregate classification (germline): Conflicting classifications of pathogenicity. Review status: criteria provided, conflicting classifications (1 of 4 stars). 6 submissions from 6 submitters: Likely pathogenic (5); Uncertain significance (1). Last evaluated 2025-09-10.

Conditions:
Eichsfeld type congenital muscular dystrophy (CMYO3). Also called: Rigid spine muscular dystrophy 1; MYOPATHY, SEPN1-RELATED; SELENON-related myopathy; Congenital myopathy 3 with rigid spine. Identifiers: MedGen C0410180, MONDO:0100100, OMIM 602771.

Allele frequency attached by ClinVar (database versions not stated): gnomAD exomes 0.00004; ExAC 0.00006.
gnomAD v4.1: 15 of 1,613,994 alleles (0.00093%); highest among the groups gnomAD compares: East Asian, 0.025%; no homozygotes.

Submissions (6):

3billion
Classification: Likely pathogenic for Eichsfeld type congenital muscular dystrophy. Last evaluated: 2025-09-10. Review status: criteria provided, single submitter. Criteria: ACMG Guidelines, 2015. Collection method: clinical testing. Allele origin: germline. Affected: yes.
Comment: The variant is observed at an extremely low frequency in the gnomAD v4.1.0 dataset (total allele frequency: <0.001%). Predicted Consequence/Location: Missense variant. The majority of the known disease-causing variants of this gene are variants expected to result in premature termination of the protein. In silico tool predictions suggest damaging effect of the variant on gene or gene product [REVEL: 0.96 (>=0.6, sensitivity 0.68 and specificity 0.92); 3Cnet: 0.38 (> 0.75, sensitivity 0.96 and precision 0.92)]. The same nucleotide change resulting in the same amino acid change has been previously reported as pathogenic/likely pathogenic with strong evidence (PMID: 25635128, 25635128, 25635128 /3billion dataset). A different missense change at the same codon (p.Met525Lys) has been reported to be associated with SELENON-related disorder (ClinVar ID: VCV001207112). Therefore, this variant is classified as Likely pathogenic according to the recommendation of ACMG/AMP guideline.

Labcorp Genetics (formerly Invitae), Labcorp
Classification: Likely pathogenic for Eichsfeld type congenital muscular dystrophy. Last evaluated: 2025-06-24. Review status: criteria provided, single submitter. Criteria: Invitae Variant Classification Sherloc (09022015). Collection method: clinical testing. Allele origin: germline.
Comment: This sequence change replaces methionine, which is neutral and non-polar, with arginine, which is basic and polar, at codon 525 of the SELENON protein (p.Met525Arg). This variant is present in population databases (rs761631813, gnomAD 0.04%). This missense change has been observed in individual(s) with clinical features of congenital myopathy (PMID: 25635128, 27066551; internal data). In at least one individual the data is consistent with being in trans (on the opposite chromosome) from a pathogenic variant. ClinVar contains an entry for this variant (Variation ID: 1025827). An algorithm developed to predict the effect of missense changes on protein structure and function (PolyPhen-2) suggests that this variant is likely to be disruptive. In summary, the currently available evidence indicates that the variant is pathogenic, but additional data are needed to prove that conclusively. Therefore, this variant has been classified as Likely Pathogenic.

GeneDx
Classification: Likely pathogenic. Last evaluated: 2025-04-01. Review status: criteria provided, single submitter. Criteria: GeneDx Variant Classification Process June 2021. Collection method: clinical testing. Allele origin: germline. Affected: yes.
Comment: In silico analysis supports that this missense variant has a deleterious effect on protein structure/function; This variant is associated with the following publications: (PMID: 25635128, 32796131, 27066551)

Fulgent Genetics
Classification: Likely pathogenic for Eichsfeld type congenital muscular dystrophy. Last evaluated: 2024-04-21. Review status: criteria provided, single submitter. Criteria: ACMG Guidelines, 2015. Collection method: clinical testing. Allele origin: germline.

Broad Center for Mendelian Genomics, Broad Institute of MIT and Harvard
Classification: Uncertain significance. Last evaluated: 2023-01-24. Review status: criteria provided, single submitter. Criteria: ACMG Guidelines, 2015. Collection method: curation. Allele origin: germline. Inheritance: Autosomal recessive inheritance.
Comment: The p.Met525Arg variant in SELENON has been reported in 4 individuals with SELENON-RM (PMID: 27066551, 25635128, Polavarapu_2019, Lee_2021) and has been identified in 0.04% (7/19522) of East Asian chromosomes by the Genome Aggregation Database (gnomAD; dbSNP ID: rs761631813). Although this variant has been seen in the general population in a heterozygous state, its frequency is not high enough to rule out a pathogenic role. This variant has also been reported in ClinVar (Variation ID#: 1025827) and has been interpreted as a variant of uncertain significance by Invitae and 3billion. Of the 4 affected individuals, 2 of those were homozygotes, and 1 was a compound heterozygote that carried a reported likely pathogenic variant with unknown phase which increases the likelihood that the p.Met525Arg variant is pathogenic (PMID: 25635128, Polavarapu_2019, Lee_2021). Computational prediction tools and conservation analyses suggest that this variant may impact the protein, though this information is not predictive enough to determine pathogenicity. In summary, the clinical significance of the p.Met525Arg variant is uncertain. ACMG/AMP Criteria applied: PP3, PM3 (Richards 2015).

Juno Genomics, Hangzhou Juno Genomics, Inc
Classification: Likely pathogenic for Eichsfeld type congenital muscular dystrophy. Review status: criteria provided, single submitter. Criteria: ACMG Guidelines, 2015. Collection method: clinical testing. Allele origin: germline.
Comment: Absent from controls (or at extremely low frequency if recessive) in Genome Aggregation Database.;Multiple lines of computational evidence support a deleterious effect on the gene or gene product.;For recessive disorders, detected in trans with a pathogenic variant.;Patient's phenotype or family history is highly specific for a disease with a single genetic etiology.

Literature cited by the submitters: PubMed 25635128 (cited by 3billion and Labcorp Genetics (formerly Invitae), Labcorp); PubMed 27066551 (cited by Labcorp Genetics (formerly Invitae), Labcorp).